The following is an entry in ClinVar:

NC_012920.1(MT-TH):m.12163A>G

Gene: MT-TH (mitochondrially encoded tRNA histidine; plus strand).
Variant type: single nucleotide variant.
Genome position: chrM-12163-A-G.
Identifiers: ClinVar variation 690138 (VCV000690138.1), dbSNP rs1603223581, ClinGen allele CA913169547.
Genomic context (GRCh38, chrMT:12,163, plus strand): 5'-CCTCAACCCCGACATCATTACCGGGTTTTCCTCTTGTAAATATAGTTTAACCAAAACATC[A>G]GATTGTGAATCTGACAACAGAGGCTTACGACCCCTTATTTACCGAGAAAGCTCACAAGAA-3'

ClinVar aggregate classification (germline): Uncertain significance (1 of 4 stars; one submission).

Conditions:
MELAS syndrome (MELAS). Also called: Juvenile myopathy, encephalopathy, lactic acidosis, stroke. Identifiers: Orphanet 550, MedGen C0162671, MONDO:0010789, OMIM 540000.

Submission:

Wong Mito Lab, Molecular and Human Genetics, Baylor College of Medicine
Classification: Uncertain significance for MELAS syndrome. Last evaluated: 2019-07-12. Review status: criteria provided, single submitter. Criteria: Modified ACMG Guidelines (Unpublished). Collection method: clinical testing. Allele origin: germline.
Comment: The NC_012920.1:m.12163A>G variant in MT-TH gene is interpreted to be a Unknown Significance variant based on the modified ACMG guidelines (unpublished). This variant meets the following evidence codes reported in the guidelines: PP3, PP6

Literature cited by the submitters: PubMed 31965079.